The following is an entry in ClinVar:

ClinVar aggregate classification (germline): Likely benign (1 of 4 stars; one submission).

Submission:

CeGaT Center for Human Genetics Tuebingen
Classification: Likely benign. Last evaluated: 2024-02-01. Review status: criteria provided, single submitter. Criteria: CeGaT Center For Human Genetics Tuebingen Variant Classification Criteria Version 2. Collection method: clinical testing. Allele origin: germline. Affected: yes. Observed: 1 variant allele.
Comment: SFTPB: PM2:Supporting, BP4, BP7

NM_000542.5(SFTPB):c.1113C>T (p.Ser371=)

Gene: SFTPB (surfactant protein B; minus strand). Cytogenetic location: 2p11.2.
Variant type: single nucleotide variant.
Coding change: c.1113C>T on transcript NM_000542.5 (MANE Select); coding-DNA position 1113, C replaced by T.
Protein change: p.Ser371=; no amino-acid change (serine 371 retained).
Molecular consequence: synonymous variant. On other transcripts: intron variant (1).
Genome position (GRCh38, 1-based): chr2:85,661,506, G>A on the plus strand (C>T on the coding strand, the complement: SFTPB is on the minus strand). VCF-style: chr2-85661506-G-A. GRCh37 (hg19) VCF-style: chr2-85888629-G-A.
Other names: c.1113C>T, p.Ser371= (NM_198843.4); c.1002+1840C>T (NM_001367281.1).
Identifiers: ClinVar variation 3027368 (VCV003027368.22), dbSNP rs370528656, ClinGen allele CA427079592.
Genomic context (GRCh38, chr2:85,661,506, plus strand): 5'-GGACTCACCTGGACAGCTGAGTTCTCATCAAAGGTCGGGGCTGTGGATACACTGGAGAGG[G>A]CTGGACATGGTCCCACACACCCCGAGGGCCTGTCACAGGGACAGCACCAGGGCTGAGGCC-3'
Protein context (NP_000533.4, residues 361-381): QALGVCGTMS[Ser371=]PLQCIHSPDL